The following is an entry in ClinVar:

ClinVar aggregate classification (germline): Benign/Likely benign. Review status: criteria provided, multiple submitters, no conflicts (2 of 4 stars). 5 submissions from 5 submitters: Benign (4); Likely benign (1). Last evaluated 2026-01-20.

Allele frequency attached by ClinVar (database versions not stated): gnomAD 0.00026 and 0.00032; TOPMed 0.00050; gnomAD exomes 0.00065; ExAC 0.00066; 1000 Genomes Project 0.00080; 1000 Genomes Project 30x 0.00141.
gnomAD v4.1: 286 of 1,614,088 alleles (0.018%); highest among the groups gnomAD compares: East Asian, 0.53%; 2 homozygotes.

Submissions (5):

Labcorp Genetics (formerly Invitae), Labcorp
Classification: Benign. Last evaluated: 2026-01-20. Review status: criteria provided, single submitter. Criteria: Invitae Variant Classification Sherloc (09022015). Collection method: clinical testing. Allele origin: germline.

Blueprint Genetics
Classification: Likely benign. Last evaluated: 2024-04-04. Review status: criteria provided, single submitter. Criteria: ACMG Guidelines, 2015. Collection method: clinical testing. Allele origin: germline.

GeneDx
Classification: Benign. Last evaluated: 2020-03-25. Review status: criteria provided, single submitter. Criteria: GeneDx Variant Classification Process June 2021. Collection method: clinical testing. Allele origin: germline. Affected: yes.

Laboratory for Molecular Medicine, Mass General Brigham Personalized Medicine
Classification: Benign. Last evaluated: 2016-06-07. Review status: criteria provided, single submitter. Criteria: LMM Criteria. Collection method: clinical testing. Allele origin: germline. Observed: 4 variant alleles.
Comment: p.Leu3291Leu in exon 61 of MYO15A: This variant is not expected to have clinical significance because it does not alter an amino acid residue, it is not located within the splice consensus sequence, and it has been identified in 0.9% (76/86 18) East Asian chromosomes by the Exome Aggregation Consortium (ExAC; dbSNP rs146865523).

Breakthrough Genomics
Classification: Benign. Review status: criteria provided, single submitter. Criteria: ACMG Guidelines, 2015. Collection method: not provided. Allele origin: germline. Inheritance: Autosomal recessive inheritance. Affected: yes.

NM_016239.4(MYO15A):c.9873C>T (p.Leu3291=)

Gene: MYO15A (myosin XVA; plus strand). Cytogenetic location: 17p11.2.
Variant type: single nucleotide variant.
Coding change: c.9873C>T on transcript NM_016239.4 (MANE Select); coding-DNA position 9873, C replaced by T.
Protein change: p.Leu3291=; no amino-acid change (leucine 3291 retained).
Molecular consequence: synonymous variant.
Genome position (GRCh38, 1-based): chr17:18,166,446, C>T. VCF-style: chr17-18166446-C-T. GRCh37 (hg19) VCF-style: chr17-18069760-C-T.
Identifiers: ClinVar variation 164568 (VCV000164568.17), dbSNP rs146865523, ClinGen allele CA177279.